The following is an entry in ClinVar:

ClinVar aggregate classification (germline): Uncertain significance (1 of 4 stars; one submission).

Allele frequency attached by ClinVar (database versions not stated): gnomAD exomes below 0.00001; TOPMed 0.00003.
gnomAD v4.1: 6 of 1,596,868 alleles (0.00038%); highest among the groups gnomAD compares: African/African-American, 0.0027%; no homozygotes.

Submission:

Labcorp Genetics (formerly Invitae), Labcorp
Classification: Uncertain significance. Last evaluated: 2022-09-15. Review status: criteria provided, single submitter. Criteria: Invitae Variant Classification Sherloc (09022015). Collection method: clinical testing. Allele origin: germline.
Comment: In summary, the available evidence is currently insufficient to determine the role of this variant in disease. Therefore, it has been classified as a Variant of Uncertain Significance. Experimental studies and prediction algorithms are not available or were not evaluated, and the functional significance of this variant is currently unknown. This variant has not been reported in the literature in individuals affected with LTBP4-related conditions. This variant is not present in population databases (gnomAD no frequency). This sequence change replaces glutamic acid, which is acidic and polar, with lysine, which is basic and polar, at codon 1493 of the LTBP4 protein (p.Glu1493Lys).

NM_001042545.2(LTBP4):c.4387G>A (p.Glu1463Lys)

Gene: LTBP4 (latent transforming growth factor beta binding protein 4; plus strand). Cytogenetic location: 19q13.2.
Variant type: single nucleotide variant.
Coding change: c.4387G>A on transcript NM_001042545.2 (MANE Select); coding-DNA position 4387, G replaced by A.
Protein change: p.Glu1463Lys; replaces glutamic acid 1463 with lysine.
Molecular consequence: missense variant.
Genome position (GRCh38, 1-based): chr19:40,627,725, G>A. VCF-style: chr19-40627725-G-A. GRCh37 (hg19) VCF-style: chr19-41133630-G-A.
Other names: c.4588G>A, p.Glu1530Lys (NM_001042544.1); c.4477G>A, p.Glu1493Lys (NM_003573.2); short protein forms E1463K, E1530K, E1493K.
Identifiers: ClinVar variation 1920565 (VCV001920565.5), dbSNP rs1000512477, ClinGen allele CA308436819.
Genomic context (GRCh38, chr19:40,627,725, plus strand): 5'-GCAGGGACCTCAAGTCATAGGGTCCCCGCATTTCCCACAGGTTCCCTGGCTGAGCCCTAC[G>A]AGGAGCTGGAGGCGGAGGAGTGCGGGATCCTGGACGGCTGCACCAACGGCCGCTGCGTGC-3'
Protein context (NP_001036010.1, residues 1453-1473): SYAGSLAEPY[Glu1463Lys]ELEAEECGIL